The following is an entry in ClinVar:

ClinVar aggregate classification (germline): Uncertain significance. Review status: criteria provided, multiple submitters, no conflicts (2 of 4 stars). 2 submissions from 2 submitters: Uncertain significance (2). Last evaluated 2025-04-30.

Conditions:
Inborn genetic diseases. Identifiers: MedGen C0950123, MeSH D030342.

Allele frequency attached by ClinVar (database versions not stated): gnomAD 0.00001; ExAC 0.00002; gnomAD exomes 0.00002; TOPMed 0.00002.

Submissions (2):

Ambry Genetics
Classification: Uncertain significance for Inborn genetic diseases. Last evaluated: 2025-04-30. Review status: criteria provided, single submitter. Criteria: Ambry Variant Classification Scheme 2023. Collection method: clinical testing. Allele origin: germline.

CeGaT Center for Human Genetics Tuebingen
Classification: Uncertain significance. Last evaluated: 2024-02-01. Review status: criteria provided, single submitter. Criteria: CeGaT Center For Human Genetics Tuebingen Variant Classification Criteria Version 2. Collection method: clinical testing. Allele origin: germline. Affected: yes. Observed: 2 variant alleles.
Comment: POLR2A: PP2, BS1:Supporting

NM_000937.5(POLR2A):c.2795G>A (p.Arg932His)

Gene: POLR2A (RNA polymerase II subunit A; plus strand). Cytogenetic location: 17p13.1.
Variant type: single nucleotide variant.
Coding change: c.2795G>A on transcript NM_000937.5 (MANE Select); coding-DNA position 2795, G replaced by A.
Protein change: p.Arg932His; replaces arginine 932 with histidine.
Molecular consequence: missense variant.
Genome position (GRCh38, 1-based): chr17:7,503,159, G>A. VCF-style: chr17-7503159-G-A. GRCh37 (hg19) VCF-style: chr17-7406478-G-A.
Other names: c.2795G>A (NM_000937.4); short protein forms R932H.
Identifiers: ClinVar variation 1694818 (VCV001694818.31), dbSNP rs773630296, ClinGen allele CA8349809.
Genomic context (GRCh38, chr17:7,503,159, plus strand): 5'-TAGCTACCCCTTGCACTTCCAGGTTCCGCTTTGATTATACCAATGAGAGGGCCCTGCGGC[G>A]CACTCTGCAGGAGGACCTGGTGAAGGACGTGCTGAGCAACGCACACATCCAGAACGAGTT-3'
Protein context (NP_000928.1, residues 922-942): FDYTNERALR[Arg932His]TLQEDLVKDV